The following is an entry in ClinVar:

ClinVar aggregate classification (germline): Uncertain significance (1 of 4 stars; one submission).

gnomAD v4.1: 13 of 1,611,314 alleles (0.00081%); highest among the groups gnomAD compares: Non-Finnish European, 0.0011%; no homozygotes.

Submission:

Labcorp Genetics (formerly Invitae), Labcorp
Classification: Uncertain significance. Last evaluated: 2022-07-29. Review status: criteria provided, single submitter. Criteria: Invitae Variant Classification Sherloc (09022015). Collection method: clinical testing. Allele origin: germline.
Comment: This sequence change replaces serine, which is neutral and polar, with glycine, which is neutral and non-polar, at codon 1212 of the TONSL protein (p.Ser1212Gly). This variant is present in population databases (no rsID available, gnomAD 0.002%). This variant has not been reported in the literature in individuals affected with TONSL-related conditions. Algorithms developed to predict the effect of missense changes on protein structure and function (SIFT, PolyPhen-2, Align-GVGD) all suggest that this variant is likely to be tolerated. In summary, the available evidence is currently insufficient to determine the role of this variant in disease. Therefore, it has been classified as a Variant of Uncertain Significance.

NM_013432.5(TONSL):c.3634A>G (p.Ser1212Gly)

Gene: TONSL (tonsoku like, DNA repair protein; minus strand). Cytogenetic location: 8q24.3.
Variant type: single nucleotide variant.
Coding change: c.3634A>G on transcript NM_013432.5 (MANE Select); coding-DNA position 3634, A replaced by G.
Protein change: p.Ser1212Gly; replaces serine 1212 with glycine.
Molecular consequence: missense variant.
Genome position (GRCh38, 1-based): chr8:144,432,386, T>C on the plus strand (A>G on the coding strand, the complement: TONSL is on the minus strand). VCF-style: chr8-144432386-T-C. GRCh37 (hg19) VCF-style: chr8-145657769-T-C.
Other names: short protein forms S1212G.
Identifiers: ClinVar variation 1927201 (VCV001927201.5), dbSNP rs1205561108, ClinGen allele CA372641845.
Genomic context (GRCh38, chr8:144,432,386, plus strand): 5'-CACCCTTGCCGGCTGCCACGGAGCTGAGCTCTAAGTGCAGGAGGGTGCCGGCGGGCAGGC[T>C]CTGCAGGGTCCTGGCCAGGGCAGGGGCTCCCAGGGCGTTGTAGGACAGGGACAGGGTCTT-3'
Protein context (NP_038460.4, residues 1202-1222): GAPALARTLQ[Ser1212Gly]LPAGTLLHLE